The following is an entry in ClinVar:

ClinVar aggregate classification (germline): Uncertain significance (1 of 4 stars; one submission).

Submission:

Ambry Genetics
Classification: Uncertain significance. Last evaluated: 2023-09-09. Review status: criteria provided, single submitter. Criteria: Ambry Variant Classification Scheme 2023. Collection method: clinical testing. Allele origin: germline.
Comment: The p.C413S variant (also known as c.1238G>C), located in coding exon 11 of the RAD54L gene, results from a G to C substitution at nucleotide position 1238. The cysteine at codon 413 is replaced by serine, an amino acid with dissimilar properties. This amino acid position is conserved. In addition, this alteration is predicted to be deleterious by in silico analysis. Since supporting evidence is limited at this time, the clinical significance of this alteration remains unclear.

NM_003579.4(RAD54L):c.1238G>C (p.Cys413Ser)

Gene: RAD54L (RAD54 like; plus strand). Cytogenetic location: 1p34.1.
Variant type: single nucleotide variant.
Coding change: c.1238G>C on transcript NM_003579.4 (MANE Select); coding-DNA position 1238, G replaced by C.
Protein change: p.Cys413Ser; replaces cysteine 413 with serine.
Molecular consequence: missense variant.
Genome position (GRCh38, 1-based): chr1:46,272,534, G>C. VCF-style: chr1-46272534-G-C. GRCh37 (hg19) VCF-style: chr1-46738206-G-C.
Other names: c.1238G>C, p.Cys413Ser (NM_001142548.2); c.698G>C, p.Cys233Ser (NM_001370766.1); short protein forms C413S, C233S.
Identifiers: ClinVar variation 2619949 (VCV002619949.2), dbSNP rs933319138, ClinGen allele CA340178875.